The following is an entry in ClinVar:

ClinVar aggregate classification (germline): Uncertain significance. Review status: criteria provided, multiple submitters, no conflicts (2 of 4 stars). 2 submissions from 2 submitters: Uncertain significance (2). Last evaluated 2025-06-10.

Conditions:
RASopathy. Also called: Noonan spectrum disorder; rasopathies. Identifiers: Orphanet 536391, MedGen C5555857, MONDO:0021060.

Submissions (2):

GeneDx
Classification: Uncertain significance. Last evaluated: 2025-06-10. Review status: criteria provided, single submitter. Criteria: GeneDx Variant Classification Process June 2021. Collection method: clinical testing. Allele origin: germline. Affected: yes.
Comment: Not observed at significant frequency in large population cohorts (gnomAD); Missense variants in this gene are a common cause of disease and they are underrepresented in the general population; In silico analysis suggests that this missense variant does not alter protein structure/function; Has not been previously published as pathogenic or benign to our knowledge

Labcorp Genetics (formerly Invitae), Labcorp
Classification: Uncertain significance for RASopathy. Last evaluated: 2023-09-27. Review status: criteria provided, single submitter. Criteria: Invitae Variant Classification Sherloc (09022015). Collection method: clinical testing. Allele origin: germline.
Comment: This sequence change replaces glutamic acid, which is acidic and polar, with lysine, which is basic and polar, at codon 20 of the MAP2K2 protein (p.Glu20Lys). This variant is not present in population databases (gnomAD no frequency). This variant has not been reported in the literature in individuals affected with MAP2K2-related conditions. Advanced modeling of protein sequence and biophysical properties (such as structural, functional, and spatial information, amino acid conservation, physicochemical variation, residue mobility, and thermodynamic stability) has been performed at Invitae for this missense variant, however the output from this modeling did not meet the statistical confidence thresholds required to predict the impact of this variant on MAP2K2 protein function. In summary, the available evidence is currently insufficient to determine the role of this variant in disease. Therefore, it has been classified as a Variant of Uncertain Significance.

NM_030662.4(MAP2K2):c.58G>A (p.Glu20Lys)

Genes: MAP2K2 (mitogen-activated protein kinase kinase 2; minus strand), LOC130063193 (ATAC-STARR-seq lymphoblastoid silent region 9881; plus strand). Cytogenetic location: 19p13.3.
Variant type: single nucleotide variant.
Coding change: c.58G>A on transcript NM_030662.4 (MANE Select); coding-DNA position 58, G replaced by A.
Protein change: p.Glu20Lys; replaces glutamic acid 20 with lysine.
Molecular consequence: missense variant.
Genome position (GRCh38, 1-based): chr19:4,123,818, C>T on the plus strand (G>A on the coding strand, the complement: MAP2K2 is on the minus strand). VCF-style: chr19-4123818-C-T. GRCh37 (hg19) VCF-style: chr19-4123815-C-T.
Other names: short protein forms E20K.
Identifiers: ClinVar variation 3020163 (VCV003020163.4), dbSNP rs2145089829, ClinGen allele CA403395984.